The following is an entry in ClinVar:

ClinVar aggregate classification (germline): Uncertain significance (1 of 4 stars; one submission).

Conditions:
Congenital factor V deficiency. Also called: LABILE FACTOR DEFICIENCY; OWREN PARAHEMOPHILIA; PARAHEMOPHILIA; Hereditary factor V deficiency disease. Identifiers: Orphanet 326, MedGen C0015499, MONDO:0009210, OMIM 227400.

Allele frequency attached by ClinVar (database versions not stated): gnomAD 0.00001; TOPMed 0.00001.
gnomAD v4.1: 4 of 1,613,288 alleles (0.00025%); highest among the groups gnomAD compares: Non-Finnish European, 0.00034%; no homozygotes.

Submission:

Labcorp Genetics (formerly Invitae), Labcorp
Classification: Uncertain significance for Congenital factor V deficiency. Last evaluated: 2023-06-09. Review status: criteria provided, single submitter. Criteria: Invitae Variant Classification Sherloc (09022015). Collection method: clinical testing. Allele origin: germline.
Comment: In summary, the available evidence is currently insufficient to determine the role of this variant in disease. Therefore, it has been classified as a Variant of Uncertain Significance. Advanced modeling of protein sequence and biophysical properties (such as structural, functional, and spatial information, amino acid conservation, physicochemical variation, residue mobility, and thermodynamic stability) performed at Invitae indicates that this missense variant is expected to disrupt F5 protein function. This variant has not been reported in the literature in individuals affected with F5-related conditions. This variant is present in population databases (rs552620077, gnomAD 0.002%). This sequence change replaces valine, which is neutral and non-polar, with alanine, which is neutral and non-polar, at codon 142 of the F5 protein (p.Val142Ala).

NM_000130.5(F5):c.425T>C (p.Val142Ala)

Gene: F5 (coagulation factor V; minus strand). Cytogenetic location: 1q24.2.
Variant type: single nucleotide variant.
Coding change: c.425T>C on transcript NM_000130.5 (MANE Select); coding-DNA position 425, T replaced by C.
Protein change: p.Val142Ala; replaces valine 142 with alanine.
Molecular consequence: missense variant.
Genome position (GRCh38, 1-based): chr1:169,560,715, A>G on the plus strand (T>C on the coding strand, the complement: F5 is on the minus strand). VCF-style: chr1-169560715-A-G. GRCh37 (hg19) VCF-style: chr1-169529953-A-G.
Other names: short protein forms V142A.
Identifiers: ClinVar variation 2885172 (VCV002885172.1), dbSNP rs552620077, ClinGen allele CA32396414.